The following is an entry in ClinVar:

NM_022489.4(INF2):c.157C>A (p.Leu53Met)

Gene: INF2 (inverted formin 2; plus strand). Cytogenetic location: 14q32.33.
Variant type: single nucleotide variant.
Coding change: c.157C>A on transcript NM_022489.4 (MANE Select); coding-DNA position 157, C replaced by A.
Protein change: p.Leu53Met; replaces leucine 53 with methionine.
Molecular consequence: missense variant. On other transcripts: non-coding transcript variant (1).
Genome position (GRCh38, 1-based): chr14:104,701,522, C>A. VCF-style: chr14-104701522-C-A. GRCh37 (hg19) VCF-style: chr14-105167859-C-A.
Other names: c.157C>A, p.Leu53Met (NM_001426866.1, NM_001426867.1, NM_001426868.1 and 6 more transcripts); short protein forms L53M.
Identifiers: ClinVar variation 4849217 (VCV004849217.1).

ClinVar aggregate classification (germline): Likely pathogenic (1 of 4 stars; one submission).

Conditions:
Focal segmental glomerulosclerosis 5 (FSGS5). Identifiers: Orphanet 656, MedGen C2750475, MONDO:0013191, OMIM 613237.

Submission:

MVZ Medizinische Genetik Mainz
Classification: Likely pathogenic for Focal segmental glomerulosclerosis 5. Last evaluated: 2026-04-24. Review status: criteria provided, single submitter. Criteria: UK Practice Guidelines For Variant Classification V4 01 2020. Collection method: clinical testing. Allele origin: germline. Inheritance: Autosomal dominant inheritance. Affected: yes. Observed: 1 variant allele.
Comment: ACMG Criteria: PM1,PM2_SUP,PP2,PP3,PP4